The following is an entry in ClinVar:

NM_000051.4(ATM):c.1745T>A (p.Phe582Tyr)

Gene: ATM (ATM serine/threonine kinase; plus strand). Cytogenetic location: 11q22.3.
Variant type: single nucleotide variant.
Coding change: c.1745T>A on transcript NM_000051.4 (MANE Select); coding-DNA position 1745, T replaced by A.
Protein change: p.Phe582Tyr; replaces phenylalanine 582 with tyrosine.
Molecular consequence: missense variant.
Genome position (GRCh38, 1-based): chr11:108,251,974, T>A. VCF-style: chr11-108251974-T-A. GRCh37 (hg19) VCF-style: chr11-108122701-T-A.
Other names: c.1745T>A, p.Phe582Tyr (NM_001351834.2); short protein forms F582Y.
Identifiers: ClinVar variation 420857 (VCV000420857.2), dbSNP rs1064794747, ClinGen allele CA16619125.

ClinVar aggregate classification (germline): Uncertain significance (1 of 4 stars; one submission).

Allele frequency attached by ClinVar (database versions not stated): gnomAD exomes below 0.00001.
gnomAD v4.1: 1 of 1,613,800 alleles (0.000062%); highest among the groups gnomAD compares: Non-Finnish European, 0.000085%; no homozygotes.

Submission:

GeneDx
Classification: Uncertain significance. Last evaluated: 2016-04-04. Review status: criteria provided, single submitter. Criteria: GeneDx Variant Classification (06012015). Collection method: clinical testing. Allele origin: germline. Affected: yes.
Comment: This variant is denoted ATM c.1745T>A at the cDNA level, p.Phe582Tyr (F582Y) at the protein level, and results in the change of a Phenylalanine to a Tyrosine (TTC>TAC). This variant has not, to our knowledge, been published in the literature as pathogenic or benign. ATM Phe582Tyr was not observed in approximately 6,500 individuals of European and African American ancestry in the NHLBI Exome Sequencing Project, suggesting it is not a common benign variant in these populations. Since Phenylalanine and Tyrosine differ in polarity, charge, size or other properties, this is considered a non-conservative amino acid substitution. ATM Phe582Tyr occurs at a position that is not conserved and is not located in a known functional domain (Tavtigian 2009). In silico analyses predict that this variant is unlikely to alter protein structure or function. Based on currently available evidence, it is unclear whether ATM Phe582Tyr is a pathogenic or benign variant. We consider it to be a variant of uncertain significance.